The following is an entry in ClinVar:

ClinVar aggregate classification (germline): Uncertain significance. Review status: criteria provided, multiple submitters, no conflicts (2 of 4 stars). 2 submissions from 2 submitters: Uncertain significance (2). Last evaluated 2025-09-05.

Conditions:
Hereditary cancer-predisposing syndrome. Also called: Neoplastic Syndromes, Hereditary; Tumor predisposition; Hereditary neoplastic syndrome; Hereditary Cancer Syndrome. Identifiers: Orphanet 140162, MedGen C0027672, MeSH D009386, MONDO:0015356.
Neuroblastoma, susceptibility to, 3. Also called: ALK-Related Neuroblastic Tumor Susceptibility. Identifiers: Orphanet 635, MedGen C2751681, MONDO:0013083, OMIM 613014.

Allele frequency attached by ClinVar (database versions not stated): gnomAD exomes below 0.00001; gnomAD 0.00001; 1000 Genomes Project 30x 0.00016; 1000 Genomes Project 0.00020.
gnomAD v4.1: 3 of 1,614,168 alleles (0.00019%); highest among the groups gnomAD compares: Admixed American, 0.0017%; no homozygotes.

Submissions (2):

Labcorp Genetics (formerly Invitae), Labcorp
Classification: Uncertain significance for Neuroblastoma, susceptibility to, 3. Last evaluated: 2025-09-05. Review status: criteria provided, single submitter. Criteria: Invitae Variant Classification Sherloc (09022015). Collection method: clinical testing. Allele origin: germline.
Comment: This sequence change replaces glutamic acid, which is acidic and polar, with glycine, which is neutral and non-polar, at codon 192 of the ALK protein (p.Glu192Gly). This variant is not present in population databases (gnomAD no frequency). This variant has not been reported in the literature in individuals affected with ALK-related conditions. ClinVar contains an entry for this variant (Variation ID: 1749463). An algorithm developed to predict the effect of missense changes on protein structure and function (PolyPhen-2) suggests that this variant is likely to be disruptive. In summary, the available evidence is currently insufficient to determine the role of this variant in disease. Therefore, it has been classified as a Variant of Uncertain Significance.

Ambry Genetics
Classification: Uncertain significance for Hereditary cancer-predisposing syndrome. Last evaluated: 2024-07-28. Review status: criteria provided, single submitter. Criteria: Ambry Variant Classification Scheme 2023. Collection method: clinical testing. Allele origin: germline.
Comment: The p.E192G variant (also known as c.575A>G), located in coding exon 1 of the ALK gene, results from an A to G substitution at nucleotide position 575. The glutamic acid at codon 192 is replaced by glycine, an amino acid with similar properties. This amino acid position is conserved. In addition, the in silico prediction for this alteration is inconclusive. Since supporting evidence is limited at this time, the clinical significance of this alteration remains unclear.

NM_004304.5(ALK):c.575A>G (p.Glu192Gly)

Gene: ALK (ALK receptor tyrosine kinase; minus strand). Cytogenetic location: 2p23.1.
Variant type: single nucleotide variant.
Coding change: c.575A>G on transcript NM_004304.5 (MANE Select); coding-DNA position 575, A replaced by G.
Protein change: p.Glu192Gly; replaces glutamic acid 192 with glycine.
Molecular consequence: missense variant.
Genome position (GRCh38, 1-based): chr2:29,920,085, T>C on the plus strand (A>G on the coding strand, the complement: ALK is on the minus strand). VCF-style: chr2-29920085-T-C. GRCh37 (hg19) VCF-style: chr2-30142951-T-C.
Other names: short protein forms E192G.
Identifiers: ClinVar variation 1749463 (VCV001749463.6), dbSNP rs200564831, ClinGen allele CA45004748.